The following is an entry in ClinVar:

NM_014712.3(SETD1A):c.503A>T (p.Gln168Leu)

Gene: SETD1A (SET domain containing 1A, histone lysine methyltransferase; plus strand). Cytogenetic location: 16p11.2.
Variant type: single nucleotide variant.
Coding change: c.503A>T on transcript NM_014712.3 (MANE Select); coding-DNA position 503, A replaced by T.
Protein change: p.Gln168Leu; replaces glutamine 168 with leucine.
Molecular consequence: missense variant.
Genome position (GRCh38, 1-based): chr16:30,961,523, A>T. VCF-style: chr16-30961523-A-T. GRCh37 (hg19) VCF-style: chr16-30972844-A-T.
Other names: short protein forms Q168L.
Identifiers: ClinVar variation 560290 (VCV000560290.3), dbSNP rs1567349896, ClinGen allele CA395648511.

ClinVar aggregate classification (germline): Uncertain significance (1 of 4 stars; one submission).

Submission:

Geisinger Autism and Developmental Medicine Institute, Geisinger Health System
Classification: Uncertain significance. Last evaluated: 2017-04-09. Review status: criteria provided, single submitter. Criteria: ACMG Guidelines, 2015. Collection method: provider interpretation, clinical testing. Allele origin: unknown. Observed: 1 variant allele.
Comment: De novo variants in SETD1A have been reported in individuals with autism, schizophrenia, and developmental delay on whole exome sequencing in populations selected for these disorders (Takata et al., 2016; Singh et al., 2016). However, further research is needed to clarify a potential gene-disease association. The p.Gln168Leu variant is absent from population databases. Computational models predict the variant to be damaging.

Literature cited by the submitters: PubMed 26938441; PubMed 26974950.